The following is an entry in ClinVar:

NM_014476.6(PDLIM3):c.616_636del (p.Leu206_Thr212del)

Gene: PDLIM3 (PDZ and LIM domain 3; minus strand). Cytogenetic location: 4q35.1.
Variant type: Deletion.
Coding change: c.616_636del on transcript NM_014476.6 (MANE Select); coding-DNA positions 616 to 636, 21 bases deleted (CTCCAGGGTCAGGTTTCAACA).
Protein change: p.Leu206_Thr212del.
Molecular consequence: intron variant (on NM_001257963.2).
Genome position (GRCh38, 1-based): chr4:185,508,325-185,508,345, TGTTGAAACCTGACCCTGGAG deleted on the plus strand (CTCCAGGGTCAGGTTTCAACA on the coding strand, the reverse complement: PDLIM3 is on the minus strand); deleting any 21 consecutive bases within chr4:185,508,325-185,508,349 gives the same sequence; the c. name uses the placement nearest the transcript's 3' end. VCF-style (leftmost placement, unchanged base first): chr4-185508324-CTGTTGAAACCTGACCCTGGAG-C. GRCh37 (hg19) VCF-style: chr4-186429478-CTGTTGAAACCTGACCCTGGAG-C.
Other names: c.162-1693_162-1673del (NM_001257963.2); c.399-1693_399-1673del (NM_001257962.2); c.519-1693_519-1673del (NM_001114107.5).
Identifiers: ClinVar variation 4791994 (VCV004791994.1).
Genomic context (GRCh38, chr4:185,508,324, plus strand): 5'-TTAATATGCCCATGGTTCAAAGAGACTCATATTACCTCATCAAAGGTGTTTCCCCTAGGG[CTGTTGAAACCTGACCCTGGAG>C]TGTTTCCATAATATTGTCATCTGAGTACAACTGCATAGGTGTATTAAACTGAGCATGTAC-3'

ClinVar aggregate classification (germline): Uncertain significance (1 of 4 stars; one submission).

Conditions:
Hypertrophic cardiomyopathy. Also called: HYPERTROPHIC MYOCARDIOPATHY. Identifiers: Orphanet 217569, MedGen C0007194, MeSH D002312, MONDO:0005045, HP:0001639.
Primary dilated cardiomyopathy (DCM). Also called: Dilated Cardiomyopathy. Identifiers: Orphanet 217604, MedGen C0007193, MeSH D002311, MONDO:0005021, HP:0001644. Inheritance: Various modes of inheritance.

Submission:

Labcorp Genetics (formerly Invitae), Labcorp
Classification: Uncertain significance for Hypertrophic cardiomyopathy; Primary dilated cardiomyopathy. Last evaluated: 2025-10-13. Review status: criteria provided, single submitter. Criteria: Invitae Variant Classification Sherloc (09022015). Collection method: clinical testing. Allele origin: germline.
Comment: This variant, c.616_636del, results in the deletion of 7 amino acid(s) of the PDLIM3 protein (p.Leu206_Thr212del), but otherwise preserves the integrity of the reading frame. This variant is not present in population databases (gnomAD no frequency). This variant has not been reported in the literature in individuals affected with PDLIM3-related conditions. Experimental studies and prediction algorithms are not available or were not evaluated, and the functional significance of this variant is currently unknown. In summary, the available evidence is currently insufficient to determine the role of this variant in disease. Therefore, it has been classified as a Variant of Uncertain Significance.